The following is an entry in ClinVar:

NM_000170.3(GLDC):c.1123G>A (p.Asp375Asn)

Gene: GLDC (glycine decarboxylase; minus strand). Cytogenetic location: 9p24.1.
Variant type: single nucleotide variant.
Coding change: c.1123G>A on transcript NM_000170.3 (MANE Select); coding-DNA position 1123, G replaced by A.
Protein change: p.Asp375Asn; replaces aspartic acid 375 with asparagine.
Molecular consequence: missense variant.
Genome position (GRCh38, 1-based): chr9:6,602,141, C>T on the plus strand (G>A on the coding strand, the complement: GLDC is on the minus strand). VCF-style: chr9-6602141-C-T. GRCh37 (hg19) VCF-style: chr9-6602141-C-T.
Other names: short protein forms D375N.
Identifiers: ClinVar variation 3725090 (VCV003725090.1).
Genomic context (GRCh38, chr9:6,602,141, plus strand): 5'-CAGTAGTCAGGTCAGACGTGTGATTTACCTGAGCTGTACAGATGTTGCTGGTAGCCTTGT[C>T]TCTCCGAATGTGTTGCTCCCTGGTTTGAAGAGCAAGACGATACACTTCTTTCCCAGTGGC-3'
Protein context (NP_000161.2, residues 365-385): LQTREQHIRR[Asp375Asn]KATSNICTAQ

ClinVar aggregate classification (germline): Uncertain significance (1 of 4 stars; one submission).

Conditions:
Glycine encephalopathy. Also called: Nonketotic hyperglycinemia; Non-ketotic hyperglycinemia. Identifiers: Orphanet 407, MedGen C0751748, MONDO:0011612, HP:0008288.

Submission:

Labcorp Genetics (formerly Invitae), Labcorp
Classification: Uncertain significance for Glycine encephalopathy. Last evaluated: 2024-11-07. Review status: criteria provided, single submitter. Criteria: Invitae Variant Classification Sherloc (09022015). Collection method: clinical testing. Allele origin: germline.
Comment: This sequence change replaces aspartic acid, which is acidic and polar, with asparagine, which is neutral and polar, at codon 375 of the GLDC protein (p.Asp375Asn). This variant is not present in population databases (gnomAD no frequency). This variant has not been reported in the literature in individuals affected with GLDC-related conditions. Invitae Evidence Modeling of protein sequence and biophysical properties (such as structural, functional, and spatial information, amino acid conservation, physicochemical variation, residue mobility, and thermodynamic stability) has been performed for this missense variant. However, the output from this modeling did not meet the statistical confidence thresholds required to predict the impact of this variant on GLDC protein function. In summary, the available evidence is currently insufficient to determine the role of this variant in disease. Therefore, it has been classified as a Variant of Uncertain Significance.